The following is an entry in ClinVar:

NM_004408.4(DNM1):c.654T>G (p.Asp218Glu)

Gene: DNM1 (dynamin 1; plus strand). Cytogenetic location: 9q34.11.
Variant type: single nucleotide variant.
Coding change: c.654T>G on transcript NM_004408.4 (MANE Select); coding-DNA position 654, T replaced by G.
Protein change: p.Asp218Glu; replaces aspartic acid 218 with glutamic acid.
Molecular consequence: missense variant.
Genome position (GRCh38, 1-based): chr9:128,220,052, T>G. VCF-style: chr9-128220052-T-G. GRCh37 (hg19) VCF-style: chr9-130982331-T-G.
Other names: c.654T>G, p.Asp218Glu (NM_001005336.3, NM_001288737.2, NM_001288738.2 and 2 more transcripts); short protein forms D218E.
Identifiers: ClinVar variation 2085838 (VCV002085838.4), dbSNP rs1834850864, ClinGen allele CA375012555.

ClinVar aggregate classification (germline): Uncertain significance (1 of 4 stars; one submission).

Conditions:
Developmental and epileptic encephalopathy, 31A. Also called: Developmental and epileptic encephalopathy, 31; Epileptic encephalopathy, early infantile, 31. Identifiers: Orphanet 2382, MedGen C4225357, MONDO:0014598, OMIM 616346.

gnomAD v4.1: 2 of 1,611,340 alleles (0.00012%); highest among the groups gnomAD compares: Non-Finnish European, 0.000085%; no homozygotes.

Submission:

Labcorp Genetics (formerly Invitae), Labcorp
Classification: Uncertain significance for Developmental and epileptic encephalopathy, 31A. Last evaluated: 2024-02-24. Review status: criteria provided, single submitter. Criteria: Invitae Variant Classification Sherloc (09022015). Collection method: clinical testing. Allele origin: germline.
Comment: This sequence change replaces aspartic acid, which is acidic and polar, with glutamic acid, which is acidic and polar, at codon 218 of the DNM1 protein (p.Asp218Glu). This variant is not present in population databases (gnomAD no frequency). This variant has not been reported in the literature in individuals affected with DNM1-related conditions. ClinVar contains an entry for this variant (Variation ID: 2085838). Advanced modeling of protein sequence and biophysical properties (such as structural, functional, and spatial information, amino acid conservation, physicochemical variation, residue mobility, and thermodynamic stability) performed at Invitae indicates that this missense variant is not expected to disrupt DNM1 protein function with a negative predictive value of 80%. In summary, the available evidence is currently insufficient to determine the role of this variant in disease. Therefore, it has been classified as a Variant of Uncertain Significance.